The following is an entry in ClinVar:

NM_001081.4(CUBN):c.7802G>A (p.Trp2601Ter)

Gene: CUBN (cubilin; minus strand). Cytogenetic location: 10p13.
Variant type: single nucleotide variant.
Coding change: c.7802G>A on transcript NM_001081.4 (MANE Select); coding-DNA position 7802, G replaced by A.
Protein change: p.Trp2601Ter; replaces tryptophan 2601 with a stop codon.
Molecular consequence: nonsense.
Genome position (GRCh38, 1-based): chr10:16,906,313, C>T on the plus strand (G>A on the coding strand, the complement: CUBN is on the minus strand). VCF-style: chr10-16906313-C-T. GRCh37 (hg19) VCF-style: chr10-16948312-C-T.
Other names: short protein forms W2601*.
Identifiers: ClinVar variation 1444519 (VCV001444519.6), dbSNP rs1841554531, ClinGen allele CA376143354.

ClinVar aggregate classification (germline): Pathogenic (1 of 4 stars; one submission).

Conditions:
Imerslund-Grasbeck syndrome. Also called: ENTEROCYTE COBALAMIN MALABSORPTION; ENTEROCYTE INTRINSIC FACTOR RECEPTOR, DEFECT OF; PERNICIOUS ANEMIA, JUVENILE, DUE TO SELECTIVE INTESTINAL MALABSORPTION OF VITAMIN B12, WITH PROTEINURIA; Imerslund-Gräsbeck syndrome; Megaloblastic anemia due to inborn errors of metabolism. Identifiers: Orphanet 35858, MedGen C4551825, MONDO:0009853.

Allele frequency attached by ClinVar (database versions not stated): gnomAD exomes below 0.00001; gnomAD 0.00001.
gnomAD v4.1: 3 of 1,613,608 alleles (0.00019%); highest among the groups gnomAD compares: African/African-American, 0.0027%; no homozygotes.

Submission:

Labcorp Genetics (formerly Invitae), Labcorp
Classification: Pathogenic for Imerslund-Grasbeck syndrome. Last evaluated: 2021-09-01. Review status: criteria provided, single submitter. Criteria: Invitae Variant Classification Sherloc (09022015). Collection method: clinical testing. Allele origin: germline.
Comment: This sequence change creates a premature translational stop signal (p.Trp2601*) in the CUBN gene. It is expected to result in an absent or disrupted protein product. Loss-of-function variants in CUBN are known to be pathogenic (PMID: 15024727, 22929189). This variant is not present in population databases (ExAC no frequency). This variant has not been reported in the literature in individuals affected with CUBN-related conditions. For these reasons, this variant has been classified as Pathogenic.

Literature cited by the submitters: PubMed 15024727; PubMed 22929189.